The following is an entry in ClinVar:

ClinVar aggregate classification (germline): Conflicting classifications of pathogenicity. Review status: criteria provided, conflicting classifications (1 of 4 stars). 7 submissions from 7 submitters: Uncertain significance (6); Likely benign (1). Last evaluated 2026-02-09.

Conditions:
Congenital contractural arachnodactyly (CCA). Also called: BEALS SYNDROME; Beals-Hecht syndrome; Arthrogryposis, distal, type 9. Identifiers: Orphanet 115, MedGen C0220668, MONDO:0007363, OMIM 121050.
Familial thoracic aortic aneurysm and aortic dissection (TAAD). Also called: Thoracic aortic aneurysms and dissections. Identifiers: Orphanet 91387, MedGen C4707243, MONDO:0019625.

Allele frequency attached by ClinVar (database versions not stated): ExAC 0.00001; gnomAD 0.00001; gnomAD exomes 0.00001 and 0.00002; TOPMed 0.00002.
gnomAD v4.1: 21 of 1,613,970 alleles (0.0013%); highest among the groups gnomAD compares: Middle Eastern, 0.017%; 1 homozygote.

Submissions (7):

GeneDx
Classification: Uncertain significance. Last evaluated: 2026-02-09. Review status: criteria provided, single submitter. Criteria: GeneDx Variant Classification Process June 2021. Collection method: clinical testing. Allele origin: germline. Affected: yes.
Comment: Has not been previously published as pathogenic or benign to our knowledge; Not observed at significant frequency in large population cohorts (gnomAD); Although located in a calcium-binding EGF-like domain of the FBN2 gene, it does not substitute or introduce a cysteine residue (PMID: 19006240, 18767143); In silico analysis supports that this missense variant has a deleterious effect on protein structure/function; This variant is associated with the following publications: (PMID: 19006240, 18767143)

Labcorp Genetics (formerly Invitae), Labcorp
Classification: Likely benign for Congenital contractural arachnodactyly. Last evaluated: 2025-09-14. Review status: criteria provided, single submitter. Criteria: Invitae Variant Classification Sherloc (09022015). Collection method: clinical testing. Allele origin: germline.

Ambry Genetics
Classification: Uncertain significance for Familial thoracic aortic aneurysm and aortic dissection. Last evaluated: 2024-12-26. Review status: criteria provided, single submitter. Criteria: Ambry Variant Classification Scheme 2023. Collection method: clinical testing. Allele origin: germline.
Comment: The p.S679F variant (also known as c.2036C>T), located in coding exon 15 of the FBN2 gene, results from a C to T substitution at nucleotide position 2036. The serine at codon 679 is replaced by phenylalanine, an amino acid with highly dissimilar properties. This amino acid position is highly conserved in available vertebrate species. In addition, this alteration is predicted to be deleterious by in silico analysis. Since supporting evidence is limited at this time, the clinical significance of this alteration remains unclear.

AiLife Diagnostics
Classification: Uncertain significance. Last evaluated: 2021-12-16. Review status: criteria provided, single submitter. Criteria: ACMG Guidelines, 2015. Collection method: clinical testing. Allele origin: germline. Affected: yes. Observed: 1 variant allele.

Laboratory for Molecular Medicine, Mass General Brigham Personalized Medicine
Classification: Uncertain significance. Last evaluated: 2019-03-22. Review status: criteria provided, single submitter. Criteria: LMM Criteria. Collection method: clinical testing. Allele origin: germline. Observed: 1 variant allele.
Comment: The p.Ser679Phe variant in FBN2 has not been previously reported in the literature, but is noted to have been observed in an individual with contractural arachnodactyly in ClinVar (Variation ID 523041, SCV000746899.1, supporting observations). It has also been identified in 0.01% (3/30614) of South Asian chromosomes by gnomAD. Computational prediction tools and conservation analysis suggest that this variant may impact the protein, though this information is not predictive enough to determine pathogenicity. In summary, the clinical significance of this variant is uncertain. ACMG/AMP Criteria applied: PP3.

Genomic Research Center, Shahid Beheshti University of Medical Sciences
Classification: Uncertain significance for Congenital contractural arachnodactyly. Last evaluated: 2019-01-01. Review status: criteria provided, single submitter. Criteria: ACMG Guidelines, 2015. Collection method: clinical testing. Allele origin: inherited. Affected: yes.

Illumina Laboratory Services, Illumina
Classification: Uncertain significance for Congenital contractural arachnodactyly. Last evaluated: 2018-01-12. Review status: criteria provided, single submitter. Criteria: ICSL Variant Classification Criteria 13 December 2019. Collection method: clinical testing. Allele origin: germline.

NM_001999.4(FBN2):c.2036C>T (p.Ser679Phe)

Gene: FBN2 (fibrillin 2; minus strand). Cytogenetic location: 5q23.3.
Variant type: single nucleotide variant.
Coding change: c.2036C>T on transcript NM_001999.4 (MANE Select); coding-DNA position 2036, C replaced by T.
Protein change: p.Ser679Phe; replaces serine 679 with phenylalanine.
Molecular consequence: missense variant.
Genome position (GRCh38, 1-based): chr5:128,374,687, G>A on the plus strand (C>T on the coding strand, the complement: FBN2 is on the minus strand). VCF-style: chr5-128374687-G-A. GRCh37 (hg19) VCF-style: chr5-127710380-G-A.
Other names: short protein forms S679F.
Identifiers: ClinVar variation 523041 (VCV000523041.21), dbSNP rs760483684, ClinGen allele CA3395669.